The following is an entry in ClinVar:

ClinVar aggregate classification (germline): Conflicting classifications of pathogenicity. Review status: criteria provided, conflicting classifications (1 of 4 stars). 3 submissions from 3 submitters: Uncertain significance (2); Likely benign (1). Last evaluated 2025-08-23.

Conditions:
Inborn genetic diseases. Identifiers: MedGen C0950123, MeSH D030342.
DYRK1A-related intellectual disability syndrome (MRD7). Also called: Intellectual developmental disorder, autosomal dominant 7; DYRK1A Syndrome. Identifiers: Orphanet 464306, MedGen C5568143, MONDO:0013578, OMIM 614104.

Allele frequency attached by ClinVar (database versions not stated): gnomAD exomes below 0.00001; gnomAD 0.00001; TOPMed 0.00002.
gnomAD v4.1: 2 of 1,613,512 alleles (0.00012%); highest among the groups gnomAD compares: African/African-American, 0.0027%; no homozygotes.

Submissions (3):

Ambry Genetics
Classification: Uncertain significance for Inborn genetic diseases. Last evaluated: 2025-08-23. Review status: criteria provided, single submitter. Criteria: Ambry Variant Classification Scheme 2023. Collection method: clinical testing. Allele origin: germline.

Labcorp Genetics (formerly Invitae), Labcorp
Classification: Likely benign for DYRK1A-related intellectual disability syndrome. Last evaluated: 2024-08-23. Review status: criteria provided, single submitter. Criteria: Invitae Variant Classification Sherloc (09022015). Collection method: clinical testing. Allele origin: germline.

GeneDx
Classification: Uncertain significance. Last evaluated: 2021-10-27. Review status: criteria provided, single submitter. Criteria: GeneDx Variant Classification Process June 2021. Collection method: clinical testing. Allele origin: germline. Affected: yes.
Comment: In silico analysis supports that this missense variant has a deleterious effect on protein structure/function; Has not been previously published as pathogenic or benign to our knowledge; This variant is associated with the following publications: (PMID: 25641759)

NM_001347721.2(DYRK1A):c.803C>T (p.Ala268Val)

Gene: DYRK1A (dual specificity tyrosine phosphorylation regulated kinase 1A; plus strand). Cytogenetic location: 21q22.13.
Variant type: single nucleotide variant.
Coding change: c.803C>T on transcript NM_001347721.2 (MANE Select); coding-DNA position 803, C replaced by T.
Protein change: p.Ala268Val; replaces alanine 268 with valine.
Molecular consequence: missense variant.
Genome position (GRCh38, 1-based): chr21:37,490,340, C>T. VCF-style: chr21-37490340-C-T. GRCh37 (hg19) VCF-style: chr21-38862642-C-T.
Other names: c.803C>T, p.Ala268Val (NM_001347722.2, NM_130436.2); c.716C>T, p.Ala239Val (NM_001347723.2); c.830C>T, p.Ala277Val (NM_001396.5, NM_101395.2, NM_130438.2); short protein forms A268V, A277V, A239V.
Identifiers: ClinVar variation 833541 (VCV000833541.12), dbSNP rs1469221964, ClinGen allele CA409947653.